The following is an entry in ClinVar:

NM_005629.4(SLC6A8):c.1681G>C (p.Gly561Arg)

Gene: SLC6A8 (solute carrier family 6 member 8; plus strand). Cytogenetic location: Xq28.
Variant type: single nucleotide variant.
Coding change: c.1681G>C on transcript NM_005629.4 (MANE Select); coding-DNA position 1681, G replaced by C.
Protein change: p.Gly561Arg; replaces glycine 561 with arginine.
Molecular consequence: missense variant.
Genome position (GRCh38, 1-based): chrX:153,694,803, G>C. VCF-style: chrX-153694803-G-C. GRCh37 (hg19) VCF-style: chrX-152960258-G-C.
Other names: NM_001142805.2:c.1651G>C; c.1651G>C, p.Gly551Arg (NM_001142805.2); c.1336G>C, p.Gly446Arg (NM_001142806.1); short protein forms G446R, G551R, G561R.
Identifiers: ClinVar variation 2683732 (VCV002683732.1), dbSNP rs2522169971, ClinGen allele CA415090844.

ClinVar aggregate classification (germline): Likely pathogenic (3 of 4 stars; one submission).

Conditions:
Creatine transporter deficiency (CCDS1). Also called: CEREBRAL CREATINE DEFICIENCY SYNDROME 1; Mental retardation , X-linked with seizures, short stature and midface hypoplasia; Mental retardation , X-linked, with creatine transport deficiency; X-linked creatine transporter deficiency; X-linked creatine deficiency syndrome; SLC6A8-Related Creatine Transporter Deficiency. Identifiers: Orphanet 52503, MedGen C1845862, MONDO:0010305, OMIM 300352.

Submission:

ClinGen Cerebral Creatine Deficiency Syndromes Variant Curation Expert Panel, ClinGen
Classification: Likely pathogenic for Creatine transporter deficiency. Last evaluated: 2023-10-13. Review status: reviewed by expert panel. Criteria: ClinGen_CCDS_ACMG_Specifications_SLC6A8_v1.1. Collection method: curation. Allele origin: germline. Inheritance: X-linked inheritance.
Comment: The NM_005629.4:c.1681G>C variant in SLC6A8 is a missense variant that is predicted to result in the substitution of glycine by arginine at amino acid 561 (p.Gly561Arg). This variant has been reported in three brothers with developmental delays, seizures, and elevated urine creatine/creatinine and was inherited from their mother (PP1_Moderate); in addition to elevated urine creatine/creatinine, the proband also had significantly reduced creatine peak on brain magnetic resonance spectroscopy (PP4_Strong) (PMID: 24045174). The variant is absent in gnomAD v2.1.1. (PM2_Supporting). The computational predictor REVEL gives a score of 0.94 which is above the threshold of 0.75, evidence that correlates with impact to SLC6A8 function (PP3). There is no ClinVar entry for this variant. In summary, this variant meets criteria to be classified as likely pathogenic for creatine transporter deficiency. SLC6A8-specific criteria applied, as specified by the ClinGen CCDS VCEP (Specifications Version 1.1.0): PM2_Supporting, PP3, PP1_Moderate, PP4_Strong. (Classification approved by the ClinGen CCDS VCEP on Oct. 16, 2023)